The following is an entry in ClinVar:

NM_001277115.2(DNAH11):c.8610C>G (p.Tyr2870Ter)

Gene: DNAH11 (dynein axonemal heavy chain 11; plus strand). Cytogenetic location: 7p15.3.
Variant type: single nucleotide variant.
Coding change: c.8610C>G on transcript NM_001277115.2 (MANE Select); coding-DNA position 8610, C replaced by G.
Protein change: p.Tyr2870Ter; replaces tyrosine 2870 with a stop codon.
Molecular consequence: nonsense.
Genome position (GRCh38, 1-based): chr7:21,748,679, C>G. VCF-style: chr7-21748679-C-G. GRCh37 (hg19) VCF-style: chr7-21788297-C-G.
Other names: short protein forms Y2870*.
Identifiers: ClinVar variation 238935 (VCV000238935.7), dbSNP rs878854446, ClinGen allele CA10582483.

ClinVar aggregate classification (germline): Pathogenic (1 of 4 stars; one submission).

Conditions:
Primary ciliary dyskinesia. Also called: Ciliary dyskinesia. Identifiers: Orphanet 244, MedGen C0008780, MONDO:0016575, HP:0012265.

Submission:

Labcorp Genetics (formerly Invitae), Labcorp
Classification: Pathogenic for Primary ciliary dyskinesia. Last evaluated: 2016-03-13. Review status: criteria provided, single submitter. Criteria: Invitae Variant Classification Sherloc (09022015). Collection method: clinical testing. Allele origin: germline.
Comment: While this particular variant has not been reported in the literature, truncating variants in DNAH11 are known to be pathogenic (PMID: 22184204). For these reasons, this variant has been classified as Pathogenic. This sequence change creates a premature translational stop signal at codon 2870 (p.Tyr2870*) of the DNAH11 gene. It is expected to result in an absent or disrupted protein product.

Literature cited by the submitters: PubMed 22184204.